The following is an entry in ClinVar:

NM_052872.4(IL17F):c.107T>C (p.Val36Ala)

Gene: IL17F (interleukin 17F; minus strand). Cytogenetic location: 6p12.2.
Variant type: single nucleotide variant.
Coding change: c.107T>C on transcript NM_052872.4 (MANE Select); coding-DNA position 107, T replaced by C.
Protein change: p.Val36Ala; replaces valine 36 with alanine.
Molecular consequence: missense variant.
Genome position (GRCh38, 1-based): chr6:52,238,877, A>G on the plus strand (T>C on the coding strand, the complement: IL17F is on the minus strand). VCF-style: chr6-52238877-A-G. GRCh37 (hg19) VCF-style: chr6-52103675-A-G.
Other names: short protein forms V36A.
Identifiers: ClinVar variation 4725796 (VCV004725796.1).

ClinVar aggregate classification (germline): Uncertain significance (1 of 4 stars; one submission).

Conditions:
Candidiasis, familial, 6 (CANDF6). Also called: Candidiasis, familial, 6, autosomal dominant. Identifiers: Orphanet 1334, MedGen C3151405, MONDO:0013503, OMIM 613956.

Submission:

Labcorp Genetics (formerly Invitae), Labcorp
Classification: Uncertain significance for Candidiasis, familial, 6. Last evaluated: 2025-08-20. Review status: criteria provided, single submitter. Criteria: Invitae Variant Classification Sherloc (09022015). Collection method: clinical testing. Allele origin: germline.
Comment: This sequence change replaces valine, which is neutral and non-polar, with alanine, which is neutral and non-polar, at codon 36 of the IL17F protein (p.Val36Ala). This variant is not present in population databases (gnomAD no frequency). This variant has not been reported in the literature in individuals affected with IL17F-related conditions. An algorithm developed to predict the effect of missense changes on protein structure and function outputs the following: PolyPhen-2: "Benign". The alanine amino acid residue is found in multiple mammalian species, which suggests that this missense change does not adversely affect protein function. In summary, the available evidence is currently insufficient to determine the role of this variant in disease. Therefore, it has been classified as a Variant of Uncertain Significance.